The following is an entry in ClinVar:

ClinVar aggregate classification (germline): Uncertain significance. Review status: criteria provided, multiple submitters, no conflicts (2 of 4 stars). 4 submissions from 4 submitters: Uncertain significance (4). Last evaluated 2026-04-20.

Conditions:
Inborn genetic diseases. Identifiers: MedGen C0950123, MeSH D030342.
Charcot-Marie-Tooth disease axonal type 2P. Also called: CHARCOT-MARIE-TOOTH NEUROPATHY, TYPE 2P; Charcot-Marie-Tooth Neuropathy Type 2G; CHARCOT-MARIE-TOOTH DISEASE, AXONAL, TYPE 2G; CMT 2G. Identifiers: Orphanet 300319, Orphanet 99941, MedGen C3280797, MONDO:0013753, OMIM 614436.

Allele frequency attached by ClinVar (database versions not stated): gnomAD exomes 0.00006 and 0.00018; ExAC 0.00009; 1000 Genomes Project 30x 0.00016; gnomAD 0.00018 and 0.00019; 1000 Genomes Project 0.00020; TOPMed 0.00020; ESP Exome Variant Server 0.00031.
gnomAD v4.1: 281 of 1,614,002 alleles (0.017%); highest among the groups gnomAD compares: Non-Finnish European, 0.022%; no homozygotes.

Submissions (4):

Women's Health and Genetics/Laboratory Corporation of America, LabCorp
Classification: Uncertain significance. Last evaluated: 2026-04-20. Review status: criteria provided, single submitter. Criteria: LabCorp Variant Classification Summary - May 2015. Collection method: clinical testing. Allele origin: germline.
Comment: Variant summary: LRSAM1 c.497C>T (p.Pro166Leu) results in a non-conservative amino acid change in the encoded protein sequence. Algorithms developed to predict the effect of missense changes on protein structure and function are either unavailable or do not agree on the potential impact of this missense change. The variant allele was found at a frequency of 6.4e-05 in 251468 control chromosomes. This frequency is not significantly higher than estimated for disease-causing variants in LRSAM1, allowing no conclusion about variant significance. c.497C>T has been observed in at least one individual affected with Charcot-Marie-Tooth disease type 2 and their asymptomatic parent (example: Antoniadi_2015). This report does not provide unequivocal conclusions about association of the variant with Charcot-Marie-Tooth disease axonal type 2P-AR. To our knowledge, no experimental evidence demonstrating an impact on protein function has been reported. The following publication has been ascertained in the context of this evaluation (PMID: 26392352). ClinVar contains an entry for this variant (Variation ID: 408266). Based on the evidence outlined above, the variant was classified as uncertain significance.

Labcorp Genetics (formerly Invitae), Labcorp
Classification: Uncertain significance for Charcot-Marie-Tooth disease axonal type 2P. Last evaluated: 2025-11-13. Review status: criteria provided, single submitter. Criteria: Invitae Variant Classification Sherloc (09022015). Collection method: clinical testing. Allele origin: germline.
Comment: This sequence change replaces proline, which is neutral and non-polar, with leucine, which is neutral and non-polar, at codon 166 of the LRSAM1 protein (p.Pro166Leu). This variant is present in population databases (rs142085060, gnomAD 0.02%). This missense change has been observed in individual(s) with Charcot-Marie-Tooth disease type 2 (CMT2) (PMID: 26392352). ClinVar contains an entry for this variant (Variation ID: 408266). Invitae Evidence Modeling of protein sequence and biophysical properties (such as structural, functional, and spatial information, amino acid conservation, physicochemical variation, residue mobility, and thermodynamic stability) indicates that this missense variant is expected to disrupt LRSAM1 protein function with a positive predictive value of 80%. In summary, the available evidence is currently insufficient to determine the role of this variant in disease. Therefore, it has been classified as a Variant of Uncertain Significance.

Ambry Genetics
Classification: Uncertain significance for Inborn genetic diseases. Last evaluated: 2023-01-03. Review status: criteria provided, single submitter. Criteria: Ambry Variant Classification Scheme 2023. Collection method: clinical testing. Allele origin: germline.
Comment: Unlikely to be causative of LRSAM1-related Charcot-Marie-Tooth disease, type 2 (AD) Based on insufficient or conflicting evidence, the clinical significance of this alteration remains unclear.

Mayo Clinic Laboratories, Mayo Clinic
Classification: Uncertain significance. Last evaluated: 2019-12-10. Review status: criteria provided, single submitter. Criteria: ACMG Guidelines, 2015. Collection method: clinical testing. Allele origin: germline. Observed: 1 variant allele.

Literature cited by the submitters: PubMed 26392352 (cited by 3 submitters).

NM_001005373.4(LRSAM1):c.497C>T (p.Pro166Leu)

Gene: LRSAM1 (leucine rich repeat and sterile alpha motif containing 1; plus strand). Cytogenetic location: 9q33.3.
Variant type: single nucleotide variant.
Coding change: c.497C>T on transcript NM_001005373.4 (MANE Select); coding-DNA position 497, C replaced by T.
Protein change: p.Pro166Leu; replaces proline 166 with leucine.
Molecular consequence: missense variant. On other transcripts: 5 prime UTR variant (1), non-coding transcript variant (2).
Genome position (GRCh38, 1-based): chr9:127,462,342, C>T. VCF-style: chr9-127462342-C-T. GRCh37 (hg19) VCF-style: chr9-130224621-C-T.
Other names: c.497C>T (NM_138361.4); c.497C>T, p.Pro166Leu (NM_001005374.4, NM_001190723.3, NM_001384142.1 and 2 more transcripts); c.-288C>T (NM_001384144.1); short protein forms P166L.
Identifiers: ClinVar variation 408266 (VCV000408266.18), dbSNP rs142085060, ClinGen allele CA5246563.